The following is an entry in ClinVar:

ClinVar aggregate classification (germline): Uncertain significance. Review status: criteria provided, multiple submitters, no conflicts (2 of 4 stars). 2 submissions from 2 submitters: Uncertain significance (2). Last evaluated 2025-12-01.

Conditions:
Phenylketonuria (PKU). Also called: FOLLING DISEASE; OLIGOPHRENIA PHENYLPYRUVICA; Phenylketonurias; Phenylketonuria (PKU). Identifiers: Orphanet 716, MedGen C0031485, MONDO:0009861, OMIM 261600. Disease mechanism: loss of function.

gnomAD v4.1: 9 of 443,520 alleles (0.002%); highest among the groups gnomAD compares: Non-Finnish European, 0.0038%; no homozygotes.

Submissions (2):

CeGaT Center for Human Genetics Tuebingen
Classification: Uncertain significance. Last evaluated: 2025-12-01. Review status: criteria provided, single submitter. Criteria: CeGaT Center For Human Genetics Tuebingen Variant Classification Criteria Version 2. Collection method: clinical testing. Allele origin: germline. Affected: yes. Observed: 1 variant allele.
Comment: PAH: PM2, PP4:Moderate, PM3:Supporting

Lupski Lab, Baylor-Hopkins CMG, Baylor College of Medicine
Classification: Uncertain significance for Phenylketonuria. Review status: criteria provided, single submitter. Criteria: ACMG Guidelines, 2015. Collection method: research. Allele origin: paternal. Inheritance: Autosomal recessive inheritance. Affected: yes. Observed: 1 variant allele, 1 compound heterozygote.
Comment: This c.706+301T>G variant is a deep intronic variant in intron 6, a known hotspot for deep intronic variation resulting in pseudoexon activation (PMID: 34747549, 36849017, 37237386). In silico splice prediction suggests it may create a cryptic splice site and lead to inclusion of a 118 bp pseudoexon (SpliceAI Score: 0.35, SAI-10k-calc functional prediction). No functional studies have been done yet. The variant is rare in gnomAD v4.1 (allele frequency 1.88 × 10⁻⁵), below the PAH VCEP threshold of 0.0002 (PM2_Supporting). In summary, this variant is classified as a variant of uncertain significance (criteria applied: PM2_Supporting, PM3_supporting), PP4_Moderate (5 points)).

Literature cited by the submitters: PubMed 34747549 (cited by Lupski Lab, Baylor-Hopkins CMG, Baylor College of Medicine); PubMed 36849017 (cited by Lupski Lab, Baylor-Hopkins CMG, Baylor College of Medicine); PubMed 37237386 (cited by Lupski Lab, Baylor-Hopkins CMG, Baylor College of Medicine).

NM_000277.3(PAH):c.706+301T>G

Gene: PAH (phenylalanine hydroxylase; minus strand). Cytogenetic location: 12q23.2.
Variant type: single nucleotide variant.
Coding change: c.706+301T>G on transcript NM_000277.3 (MANE Select); 301 bases into the intron after coding-DNA position 706, T replaced by G.
Molecular consequence: intron variant.
Genome position (GRCh38, 1-based): chr12:102,854,835, A>C on the plus strand (T>G on the coding strand, the complement: PAH is on the minus strand). VCF-style: chr12-102854835-A-C. GRCh37 (hg19) VCF-style: chr12-103248613-A-C.
Other names: c.706+301T>G (NM_001354304.2).
Identifiers: ClinVar variation 4681774 (VCV004681774.6).